The following is an entry in ClinVar:

ClinVar aggregate classification (germline): Conflicting classifications of pathogenicity. Review status: criteria provided, conflicting classifications (1 of 4 stars). 2 submissions from 2 submitters: Uncertain significance (1); Likely benign (1). Last evaluated 2025-10-01.

Conditions:
Hereditary cancer-predisposing syndrome. Also called: Hereditary Cancer Syndrome; Hereditary neoplastic syndrome; Neoplastic Syndromes, Hereditary; Tumor predisposition. Identifiers: Orphanet 140162, MedGen C0027672, MeSH D009386, MONDO:0015356.
Bloom syndrome (BLM). Also called: Bloom-Torre-Machacek syndrome. Identifiers: Orphanet 125, MedGen C0005859, MONDO:0008876, OMIM 210900.

Allele frequency attached by ClinVar (database versions not stated): gnomAD 0.00001; ExAC 0.00003.
gnomAD v4.1: 9 of 1,613,210 alleles (0.00056%); highest among the groups gnomAD compares: South Asian, 0.0077%; no homozygotes.

Submissions (2):

Labcorp Genetics (formerly Invitae), Labcorp
Classification: Uncertain significance for Bloom syndrome. Last evaluated: 2025-10-01. Review status: criteria provided, single submitter. Criteria: Invitae Variant Classification Sherloc (09022015). Collection method: clinical testing. Allele origin: germline.
Comment: This sequence change replaces threonine, which is neutral and polar, with methionine, which is neutral and non-polar, at codon 321 of the BLM protein (p.Thr321Met). This variant is present in population databases (rs755724766, gnomAD 0.007%). This variant has not been reported in the literature in individuals affected with BLM-related conditions. ClinVar contains an entry for this variant (Variation ID: 1767609). An algorithm developed to predict the effect of missense changes on protein structure and function outputs the following: PolyPhen-2: "Benign". The methionine amino acid residue is found in multiple mammalian species, which suggests that this missense change does not adversely affect protein function. In summary, the available evidence is currently insufficient to determine the role of this variant in disease. Therefore, it has been classified as a Variant of Uncertain Significance.

Ambry Genetics
Classification: Likely benign for Hereditary cancer-predisposing syndrome. Last evaluated: 2021-12-01. Review status: criteria provided, single submitter. Criteria: Ambry Variant Classification Scheme 2023. Collection method: clinical testing. Allele origin: germline.

NM_000057.4(BLM):c.962C>T (p.Thr321Met)

Gene: BLM (BLM RecQ like helicase; plus strand). Cytogenetic location: 15q26.1.
Variant type: single nucleotide variant.
Coding change: c.962C>T on transcript NM_000057.4 (MANE Select); coding-DNA position 962, C replaced by T.
Protein change: p.Thr321Met; replaces threonine 321 with methionine.
Molecular consequence: missense variant. On other transcripts: 5 prime UTR variant (1).
Genome position (GRCh38, 1-based): chr15:90,754,813, C>T. VCF-style: chr15-90754813-C-T. GRCh37 (hg19) VCF-style: chr15-91298043-C-T.
Other names: c.962C>T, p.Thr321Met (NM_001287246.2, NM_001287247.2); c.-330C>T (NM_001287248.2); short protein forms T321M.
Identifiers: ClinVar variation 1767609 (VCV001767609.6), dbSNP rs755724766, ClinGen allele CA7738402.